The following is an entry in ClinVar:

ClinVar aggregate classification (germline): Uncertain significance (1 of 4 stars; one submission).

Allele frequency attached by ClinVar (database versions not stated): ExAC 0.00001; gnomAD 0.00001; gnomAD exomes 0.00001; TOPMed 0.00001.
gnomAD v4.1: 19 of 1,612,800 alleles (0.0012%); highest among the groups gnomAD compares: Non-Finnish European, 0.0015%; no homozygotes.

Submission:

CeGaT Center for Human Genetics Tuebingen
Classification: Uncertain significance. Last evaluated: 2022-11-01. Review status: criteria provided, single submitter. Criteria: CeGaT Center For Human Genetics Tuebingen Variant Classification Criteria Version 2. Collection method: clinical testing. Allele origin: germline. Affected: yes. Observed: 1 variant allele.
Comment: TTN: PM2

NM_001267550.2(TTN):c.50795A>G (p.Asn16932Ser)

Genes: TTN (titin; minus strand), TTN-AS1 (TTN antisense RNA 1; plus strand). Cytogenetic location: 2q31.2.
Variant type: single nucleotide variant.
Coding change: c.50795A>G on transcript NM_001267550.2 (MANE Select); coding-DNA position 50795, A replaced by G.
Protein change: p.Asn16932Ser; replaces asparagine 16932 with serine.
Molecular consequence: missense variant.
Genome position (GRCh38, 1-based): chr2:178,611,434, T>C on the plus strand (A>G on the coding strand, the complement: TTN is on the minus strand). VCF-style: chr2-178611434-T-C. GRCh37 (hg19) VCF-style: chr2-179476161-T-C.
Other names: c.23600A>G, p.Asn7867Ser (NM_003319.4); c.43091A>G, p.Asn14364Ser (NM_133378.4); c.23975A>G, p.Asn7992Ser (NM_133432.3); c.24176A>G, p.Asn8059Ser (NM_133437.4); c.45872A>G, p.Asn15291Ser (NM_001256850.1); short protein forms N14364S, N15291S, N16932S, N7867S, N7992S, N8059S.
Identifiers: ClinVar variation 1879503 (VCV001879503.29), dbSNP rs779440152, ClinGen allele CA1994312.